The following is an entry in ClinVar:

ClinVar aggregate classification (germline): Uncertain significance (1 of 4 stars; one submission).

Conditions:
Fanconi anemia (FA). Also called: Fanconi's anemia. Identifiers: Orphanet 84, MedGen C0015625, MeSH D005199, MONDO:0019391.

Submission:

Labcorp Genetics (formerly Invitae), Labcorp
Classification: Uncertain significance for Fanconi anemia. Last evaluated: 2021-02-15. Review status: criteria provided, single submitter. Criteria: Invitae Variant Classification Sherloc (09022015). Collection method: clinical testing. Allele origin: germline.
Comment: This variant, c.2749_2751dup, results in the insertion of 1 amino acid(s) to the SLX4 protein (p.Ala917dup), but otherwise preserves the integrity of the reading frame. This variant is not present in population databases (ExAC no frequency). This variant has not been reported in the literature in individuals with SLX4-related conditions. Experimental studies and prediction algorithms are not available or were not evaluated, and the functional significance of this variant is currently unknown. In summary, the available evidence is currently insufficient to determine the role of this variant in disease. Therefore, it has been classified as a Variant of Uncertain Significance.

NM_032444.4(SLX4):c.2746GCC[3] (p.Ala917dup)

Gene: SLX4 (SLX4 structure-specific endonuclease subunit; minus strand). Cytogenetic location: 16p13.3.
Variant type: Microsatellite.
Coding change: c.2746GCC[3] on transcript NM_032444.4 (MANE Select); three copies in a row of the 3-base unit GCC starting at c.2746; the reference has two copies in a row; one copy, 3 bases duplicated.
Protein change: p.Ala917dup; duplicates alanine 917.
Molecular consequence: inframe insertion.
Genome position (GRCh38, 1-based): chr16:3,590,887-3,590,889, GGC duplicated on the plus strand (GCC on the coding strand, the reverse complement: SLX4 is on the minus strand); duplicating any 3 consecutive bases within chr16:3,590,887-3,590,892 gives the same sequence; the position shown is the placement nearest the transcript's 3' end. VCF-style (leftmost placement, unchanged base first): chr16-3590886-T-TGGC. GRCh37 (hg19) VCF-style: chr16-3640887-T-TGGC.
Identifiers: ClinVar variation 1480568 (VCV001480568.8), dbSNP rs2151125227, ClinGen allele CA2580613408.